The following is an entry in ClinVar:

ClinVar aggregate classification (germline): Uncertain significance (1 of 4 stars; one submission).

Allele frequency attached by ClinVar (database versions not stated): gnomAD exomes 0.00001.
gnomAD v4.1: 9 of 1,597,774 alleles (0.00056%); highest among the groups gnomAD compares: Non-Finnish European, 0.00077%; no homozygotes.

Submission:

Labcorp Genetics (formerly Invitae), Labcorp
Classification: Uncertain significance. Last evaluated: 2022-05-16. Review status: criteria provided, single submitter. Criteria: Invitae Variant Classification Sherloc (09022015). Collection method: clinical testing. Allele origin: germline.
Comment: In summary, the available evidence is currently insufficient to determine the role of this variant in disease. Therefore, it has been classified as a Variant of Uncertain Significance. Algorithms developed to predict the effect of missense changes on protein structure and function (SIFT, PolyPhen-2, Align-GVGD) all suggest that this variant is likely to be tolerated. This variant has not been reported in the literature in individuals affected with DOCK6-related conditions. This variant is not present in population databases (gnomAD no frequency). This sequence change replaces histidine, which is basic and polar, with proline, which is neutral and non-polar, at codon 1637 of the DOCK6 protein (p.His1637Pro).

NM_020812.4(DOCK6):c.4910A>C (p.His1637Pro)

Genes: DOCK6 (dedicator of cytokinesis 6; minus strand), DOCK6-AS1 (DOCK6 antisense RNA 1; plus strand). Cytogenetic location: 19p13.2.
Variant type: single nucleotide variant.
Coding change: c.4910A>C on transcript NM_020812.4 (MANE Select); coding-DNA position 4910, A replaced by C.
Protein change: p.His1637Pro; replaces histidine 1637 with proline.
Molecular consequence: missense variant.
Genome position (GRCh38, 1-based): chr19:11,208,945, T>G on the plus strand (A>C on the coding strand, the complement: DOCK6 is on the minus strand). VCF-style: chr19-11208945-T-G. GRCh37 (hg19) VCF-style: chr19-11319621-T-G.
Other names: c.5015A>C, p.His1672Pro (NM_001367830.1); short protein forms H1637P, H1672P.
Identifiers: ClinVar variation 2043829 (VCV002043829.4), dbSNP rs2512959307, ClinGen allele CA404077689.